The following is an entry in ClinVar:

NM_001351169.2(NT5C2):c.1582A>G (p.Ile528Val)

Genes: CNNM2 (cyclin and CBS domain divalent metal cation transport mediator 2; plus strand), NT5C2 (5'-nucleotidase, cytosolic II; minus strand). Cytogenetic location: 10q24.32.
Variant type: single nucleotide variant.
Coding change: c.1582A>G on transcript NM_001351169.2 (MANE Select); coding-DNA position 1582, A replaced by G.
Protein change: p.Ile528Val; replaces isoleucine 528 with valine.
Molecular consequence: missense variant. On other transcripts: 3 prime UTR variant (2).
Genome position (GRCh38, 1-based): chr10:103,089,776, T>C on the plus strand (A>G on the coding strand, the complement: NT5C2 is on the minus strand). VCF-style: chr10-103089776-T-C. GRCh37 (hg19) VCF-style: chr10-104849533-T-C.
Other names: c.1582A>G, p.Ile528Val (NM_001134373.3, NM_012229.5); c.1606A>G, p.Ile536Val (NM_001351170.2, NM_001351171.2, NM_001351172.2 and 1 more transcripts); c.1495A>G, p.Ile499Val (NM_001351174.1); c.1489A>G, p.Ile497Val (NM_001351175.2); c.1009A>G, p.Ile337Val (NM_001351176.2, NM_001351177.2, NM_001351178.2 and 16 more transcripts); c.868A>G, p.Ile290Val (NM_001351194.2, NM_001351195.2, NM_001351196.2); c.*12596T>C (NM_017649.5, NM_199076.3); short protein forms I499V, I290V, I337V, I497V, I528V, I536V.
Identifiers: ClinVar variation 1947791 (VCV001947791.3), dbSNP rs756913240, ClinGen allele CA5670717.

ClinVar aggregate classification (germline): Uncertain significance (1 of 4 stars; one submission).

Conditions:
Hereditary spastic paraplegia 45. Also called: Spastic paraplegia 45, autosomal recessive; SPASTIC PARAPLEGIA 45. Identifiers: Orphanet 320396, MedGen C3888209, MONDO:0013165, OMIM 613162.

Allele frequency attached by ClinVar (database versions not stated): gnomAD 0.00001; gnomAD exomes 0.00001; TOPMed 0.00005; ExAC 0.00007.
gnomAD v4.1: 11 of 1,613,982 alleles (0.00068%); highest among the groups gnomAD compares: East Asian, 0.013%; no homozygotes.

Submission:

Labcorp Genetics (formerly Invitae), Labcorp
Classification: Uncertain significance for Hereditary spastic paraplegia 45. Last evaluated: 2021-12-24. Review status: criteria provided, single submitter. Criteria: Invitae Variant Classification Sherloc (09022015). Collection method: clinical testing. Allele origin: germline.
Comment: In summary, the available evidence is currently insufficient to determine the role of this variant in disease. Therefore, it has been classified as a Variant of Uncertain Significance. Algorithms developed to predict the effect of sequence changes on RNA splicing suggest that this variant may create or strengthen a splice site. Algorithms developed to predict the effect of missense changes on protein structure and function (SIFT, PolyPhen-2, Align-GVGD) all suggest that this variant is likely to be tolerated. This variant has not been reported in the literature in individuals affected with NT5C2-related conditions. This variant is present in population databases (rs756913240, gnomAD 0.06%). This sequence change replaces isoleucine, which is neutral and non-polar, with valine, which is neutral and non-polar, at codon 528 of the NT5C2 protein (p.Ile528Val).